The following is an entry in ClinVar:

ClinVar aggregate classification (germline): Uncertain significance (1 of 4 stars; one submission).

Conditions:
Cohen syndrome (COH1). Also called: Cutis verticis gyrata, retinitis pigmentosa, and sensorineural deafness; PEPPER SYNDROME. Identifiers: Orphanet 193, MedGen C0265223, MONDO:0008999, OMIM 216550.

Allele frequency attached by ClinVar (database versions not stated): gnomAD exomes below 0.00001.
gnomAD v4.1: 1 of 1,614,194 alleles (0.000062%); highest among the groups gnomAD compares: African/African-American, 0.0013%; no homozygotes.

Submission:

Labcorp Genetics (formerly Invitae), Labcorp
Classification: Uncertain significance for Cohen syndrome. Last evaluated: 2022-02-10. Review status: criteria provided, single submitter. Criteria: Invitae Variant Classification Sherloc (09022015). Collection method: clinical testing. Allele origin: germline.
Comment: In summary, the available evidence is currently insufficient to determine the role of this variant in disease. Therefore, it has been classified as a Variant of Uncertain Significance. Algorithms developed to predict the effect of missense changes on protein structure and function are either unavailable or do not agree on the potential impact of this missense change (SIFT: "Not Available"; PolyPhen-2: "Benign"; Align-GVGD: "Not Available"). This variant has not been reported in the literature in individuals affected with VPS13B-related conditions. This variant is not present in population databases (gnomAD no frequency). This sequence change replaces glutamine, which is neutral and polar, with arginine, which is basic and polar, at codon 3778 of the VPS13B protein (p.Gln3778Arg).

NM_152564.5(VPS13B):c.11258A>G (p.Gln3753Arg)

Gene: VPS13B (vacuolar protein sorting 13 homolog B; plus strand). Cytogenetic location: 8q22.2.
Variant type: single nucleotide variant.
Coding change: c.11258A>G on transcript NM_152564.5 (MANE Select); coding-DNA position 11258, A replaced by G.
Protein change: p.Gln3753Arg; replaces glutamine 3753 with arginine.
Molecular consequence: missense variant.
Genome position (GRCh38, 1-based): chr8:99,868,331, A>G. VCF-style: chr8-99868331-A-G. GRCh37 (hg19) VCF-style: chr8-100880559-A-G.
Other names: c.11333A>G, p.Gln3778Arg (NM_017890.5); short protein forms Q3778R, Q3753R.
Identifiers: ClinVar variation 1496728 (VCV001496728.8), dbSNP rs2130962947, ClinGen allele CA371791870.